The following is an entry in ClinVar:

NM_001375567.1(FOCAD):c.3469C>G (p.Gln1157Glu)

Gene: FOCAD (focadhesin; plus strand). Cytogenetic location: 9p21.3.
Variant type: single nucleotide variant.
Coding change: c.3469C>G on transcript NM_001375567.1 (MANE Select); coding-DNA position 3469, C replaced by G.
Protein change: p.Gln1157Glu; replaces glutamine 1157 with glutamic acid.
Molecular consequence: missense variant.
Genome position (GRCh38, 1-based): chr9:20,944,688, C>G. VCF-style: chr9-20944688-C-G. GRCh37 (hg19) VCF-style: chr9-20944687-C-G.
Other names: c.3364C>G, p.Gln1122Glu (NM_001375568.1, NM_001375570.1); c.3469C>G, p.Gln1157Glu (NM_017794.5); short protein forms Q1122E, Q1157E.
Identifiers: ClinVar variation 2636372 (VCV002636372.1), dbSNP rs1378935659, ClinGen allele CA373053062.

ClinVar aggregate classification (germline): Uncertain significance (1 of 4 stars; one submission).

Conditions:
FOCAD-related disorder. Also called: FOCAD-related condition.

Allele frequency attached by ClinVar (database versions not stated): gnomAD exomes below 0.00001.
gnomAD v4.1: 1 of 1,614,094 alleles (0.000062%); highest among the groups gnomAD compares: Admixed American, 0.0017%; no homozygotes.

Submission:

PreventionGenetics, part of Exact Sciences
Classification: Uncertain significance for FOCAD-related condition. Last evaluated: 2022-08-29. Review status: criteria provided, single submitter. Criteria: ACMG Guidelines, 2015. Collection method: clinical testing. Allele origin: germline.
Comment: The FOCAD c.3469C>G variant is predicted to result in the amino acid substitution p.Gln1157Glu. To our knowledge, this variant has not been reported in the literature. This variant is reported in 0.0029% of alleles in individuals of Latino descent in gnomAD. At this time, the clinical significance of this variant is uncertain due to the absence of conclusive functional and genetic evidence.